The following is an entry in ClinVar:

ClinVar aggregate classification (germline): Uncertain significance (1 of 4 stars; one submission).

Conditions:
Immunodeficiency 31B. Also called: STAT1 DEFICIENCY, AUTOSOMAL RECESSIVE; IMMUNODEFICIENCY 31B, MYCOBACTERIAL AND VIRAL INFECTIONS, AUTOSOMAL RECESSIVE. Identifiers: Orphanet 391311, MedGen C3151088, MONDO:0013427, OMIM 613796.
Mendelian susceptibility to mycobacterial diseases due to partial STAT1 deficiency. Also called: Immunodeficiency 31a; IMMUNODEFICIENCY 31A, MYCOBACTERIOSIS, AUTOSOMAL DOMINANT; STAT1 DEFICIENCY, AUTOSOMAL DOMINANT. Identifiers: Orphanet 319595, MedGen C4013950, MONDO:0013956, OMIM 614892.
Autoimmune enteropathy and endocrinopathy - susceptibility to chronic infections syndrome. Also called: Immunodeficiency 31C; Immunodeficiency 31C, autosomal dominant. Identifiers: Orphanet 391487, MedGen C3279990, MONDO:0013599, OMIM 614162.

Allele frequency attached by ClinVar (database versions not stated): gnomAD exomes below 0.00001; ExAC 0.00001.
gnomAD v4.1: 1 of 1,614,210 alleles (0.000062%); highest among the groups gnomAD compares: South Asian, 0.0011%; no homozygotes.

Submission:

Labcorp Genetics (formerly Invitae), Labcorp
Classification: Uncertain significance for Immunodeficiency 31a; Mycobacterial and viral infections, susceptibility to, autosomal recessive; Immunodeficiency 31C. Last evaluated: 2019-10-19. Review status: criteria provided, single submitter. Criteria: Invitae Variant Classification Sherloc (09022015). Collection method: clinical testing. Allele origin: germline.
Comment: This sequence change replaces asparagine with serine at codon 650 of the STAT1 protein (p.Asn650Ser). The asparagine residue is moderately conserved and there is a small physicochemical difference between asparagine and serine. This variant is present in population databases (rs776429557, ExAC 0.006%). This variant has not been reported in the literature in individuals with STAT1-related conditions. Algorithms developed to predict the effect of missense changes on protein structure and function (SIFT, PolyPhen-2, Align-GVGD) all suggest that this variant is likely to be tolerated, but these predictions have not been confirmed by published functional studies and their clinical significance is uncertain. Algorithms developed to predict the effect of sequence changes on RNA splicing suggest that this variant may create or strengthen a splice site, but this prediction has not been confirmed by published transcriptional studies. In summary, the available evidence is currently insufficient to determine the role of this variant in disease. Therefore, it has been classified as a Variant of Uncertain Significance.

NM_007315.4(STAT1):c.1949A>G (p.Asn650Ser)

Gene: STAT1 (signal transducer and activator of transcription 1; minus strand). Cytogenetic location: 2q32.2.
Variant type: single nucleotide variant.
Coding change: c.1949A>G on transcript NM_007315.4 (MANE Select); coding-DNA position 1949, A replaced by G.
Protein change: p.Asn650Ser; replaces asparagine 650 with serine.
Molecular consequence: missense variant.
Genome position (GRCh38, 1-based): chr2:190,976,950, T>C on the plus strand (A>G on the coding strand, the complement: STAT1 is on the minus strand). VCF-style: chr2-190976950-T-C. GRCh37 (hg19) VCF-style: chr2-191841676-T-C.
Other names: c.1889A>G, p.Asn630Ser (NM_001384880.1); c.1955A>G, p.Asn652Ser (NM_001384881.1, NM_001384884.1); c.1943A>G, p.Asn648Ser (NM_001384882.1); c.1850A>G, p.Asn617Ser (NM_001384883.1); c.1790A>G, p.Asn597Ser (NM_001384885.1); c.1949A>G, p.Asn650Ser (NM_001384886.1, NM_001384889.1, NM_139266.3); c.1856A>G, p.Asn619Ser (NM_001384887.1); c.1919A>G, p.Asn640Ser (NM_001384888.1); and 2 more; short protein forms N650S, N597S, N617S, N619S, N620S, N630S, N640S, N648S.
Identifiers: ClinVar variation 968958 (VCV000968958.1), dbSNP rs776429557, ClinGen allele CA2029772.